The following is an entry in ClinVar:

ClinVar aggregate classification (germline): Uncertain significance (1 of 4 stars; one submission).

gnomAD v4.1: 2 of 1,612,556 alleles (0.00012%); highest among the groups gnomAD compares: Non-Finnish European, 0.00017%; no homozygotes.

Submission:

Labcorp Genetics (formerly Invitae), Labcorp
Classification: Uncertain significance. Last evaluated: 2023-10-18. Review status: criteria provided, single submitter. Criteria: Invitae Variant Classification Sherloc (09022015). Collection method: clinical testing. Allele origin: germline.
Comment: This sequence change replaces glutamine, which is neutral and polar, with proline, which is neutral and non-polar, at codon 1506 of the MED12L protein (p.Gln1506Pro). This variant is present in population databases (rs753742161, gnomAD 0.0009%). This variant has not been reported in the literature in individuals affected with MED12L-related conditions. Advanced modeling of protein sequence and biophysical properties (such as structural, functional, and spatial information, amino acid conservation, physicochemical variation, residue mobility, and thermodynamic stability) performed at Invitae indicates that this missense variant is not expected to disrupt MED12L protein function. In summary, the available evidence is currently insufficient to determine the role of this variant in disease. Therefore, it has been classified as a Variant of Uncertain Significance.

NM_001393769.1(MED12L):c.4622A>C (p.Gln1541Pro)

Genes: MED12L (mediator complex subunit 12L; plus strand), P2RY12 (purinergic receptor P2Y12; minus strand). Cytogenetic location: 3q25.1.
Variant type: single nucleotide variant.
Coding change: c.4622A>C on transcript NM_001393769.1 (MANE Select); coding-DNA position 4622, A replaced by C.
Protein change: p.Gln1541Pro; replaces glutamine 1541 with proline.
Molecular consequence: missense variant. On other transcripts: intron variant (1).
Genome position (GRCh38, 1-based): chr3:151,382,687, A>C. VCF-style: chr3-151382687-A-C. GRCh37 (hg19) VCF-style: chr3-151100475-A-C.
Other names: c.4517A>C, p.Gln1506Pro (NM_053002.6); c.-180+2005T>G (NM_022788.5); short protein forms Q1506P, Q1541P.
Identifiers: ClinVar variation 2769224 (VCV002769224.3), dbSNP rs753742161, ClinGen allele CA2668576.